The following is an entry in ClinVar:

ClinVar aggregate classification (germline): Pathogenic/Likely pathogenic. Review status: criteria provided, multiple submitters, no conflicts (2 of 4 stars). 2 submissions from 2 submitters: Pathogenic (1); Likely pathogenic (1). Last evaluated 2024-12-13.

Conditions:
Charcot-Marie-Tooth disease type 2. Also called: Charcot-Marie-Tooth type 2. Identifiers: Orphanet 64746, MedGen C0270914, MONDO:0018993.

Submissions (2):

GeneDx
Classification: Likely pathogenic. Last evaluated: 2024-12-13. Review status: criteria provided, single submitter. Criteria: GeneDx Variant Classification Process June 2021. Collection method: clinical testing. Allele origin: germline. Affected: yes.
Comment: Frameshift variant predicted to result in protein truncation or nonsense mediated decay in a gene for which loss of function is a known mechanism of disease; Not observed at significant frequency in large population cohorts (gnomAD); Has not been previously published as pathogenic or benign to our knowledge

Labcorp Genetics (formerly Invitae), Labcorp
Classification: Pathogenic for Charcot-Marie-Tooth disease type 2. Last evaluated: 2023-10-09. Review status: criteria provided, single submitter. Criteria: Invitae Variant Classification Sherloc (09022015). Collection method: clinical testing. Allele origin: germline.
Comment: This sequence change creates a premature translational stop signal (p.Val136Glyfs*8) in the MFN2 gene. It is expected to result in an absent or disrupted protein product. Loss-of-function variants in MFN2 are known to be pathogenic (PMID: 16714318, 16835246, 21715711, 23781337, 26955893). This variant is present in population databases (rs759844257, gnomAD 0.01%). This variant has not been reported in the literature in individuals affected with MFN2-related conditions. ClinVar contains an entry for this variant (Variation ID: 451440). For these reasons, this variant has been classified as Pathogenic.

Literature cited by the submitters: PubMed 16714318 (cited by Labcorp Genetics (formerly Invitae), Labcorp); PubMed 16835246 (cited by Labcorp Genetics (formerly Invitae), Labcorp); PubMed 21715711 (cited by Labcorp Genetics (formerly Invitae), Labcorp); PubMed 23781337 (cited by Labcorp Genetics (formerly Invitae), Labcorp); PubMed 26955893 (cited by Labcorp Genetics (formerly Invitae), Labcorp).

NM_014874.4(MFN2):c.406dup (p.Val136fs)

Gene: MFN2 (mitofusin 2; plus strand). Cytogenetic location: 1p36.22.
Variant type: Duplication.
Coding change: c.406dup on transcript NM_014874.4 (MANE Select); coding-DNA position 406, one base duplicated (G; older notation c.406dupG).
Protein change: p.Val136fs; shifts the reading frame from valine 136.
Molecular consequence: frameshift variant.
Genome position (GRCh38, 1-based): chr1:11,996,250, G duplicated; the last of 3 consecutive G bases (chr1:11,996,248-11,996,250); duplicating any one gives the same sequence. VCF-style (leftmost placement, unchanged base first): chr1-11996247-C-CG. GRCh37 (hg19) VCF-style: chr1-12056304-C-CG.
Other names: c.406dupG (NM_014874.3); c.406dup, p.Val136fs (NM_001127660.2); short protein forms V136fs.
Identifiers: ClinVar variation 451440 (VCV000451440.11), dbSNP rs759844257, ClinGen allele CA598817.
Genomic context (GRCh38, chr1:11,996,247, plus strand): 5'-GCCATGCTCTGGGACAAAGTTCTGCCCTCTGGGATTGGCCACACCACCAATTGCTTCCTG[C>CG]GGGTAGAGGGCACAGATGGCCATGAGGCCTTTCTCCTTACCGAGGGCTCAGAGGAAAAGA-3'